The following is an entry in ClinVar:

ClinVar aggregate classification (germline): Uncertain significance. Review status: criteria provided, multiple submitters, no conflicts (2 of 4 stars). 3 submissions from 3 submitters: Uncertain significance (3). Last evaluated 2024-02-01.

Allele frequency attached by ClinVar (database versions not stated): gnomAD 0.00001; TOPMed 0.00001; gnomAD exomes 0.00002; ExAC 0.00005.

Submissions (3):

CeGaT Center for Human Genetics Tuebingen
Classification: Uncertain significance. Last evaluated: 2024-02-01. Review status: criteria provided, single submitter. Criteria: CeGaT Center For Human Genetics Tuebingen Variant Classification Criteria Version 2. Collection method: clinical testing. Allele origin: germline. Affected: yes. Observed: 1 variant allele.
Comment: CEP78: PM2

Blueprint Genetics
Classification: Uncertain significance. Last evaluated: 2023-11-07. Review status: criteria provided, single submitter. Criteria: ACMG Guidelines, 2015. Collection method: clinical testing. Allele origin: germline.

Labcorp Genetics (formerly Invitae), Labcorp
Classification: Uncertain significance. Last evaluated: 2022-10-24. Review status: criteria provided, single submitter. Criteria: Invitae Variant Classification Sherloc (09022015). Collection method: clinical testing. Allele origin: germline.
Comment: This sequence change replaces arginine, which is basic and polar, with histidine, which is basic and polar, at codon 217 of the CEP78 protein (p.Arg217His). This variant is present in population databases (rs781363287, gnomAD 0.007%). This variant has not been reported in the literature in individuals affected with CEP78-related conditions. ClinVar contains an entry for this variant (Variation ID: 943566). Advanced modeling of protein sequence and biophysical properties (such as structural, functional, and spatial information, amino acid conservation, physicochemical variation, residue mobility, and thermodynamic stability) performed at Invitae indicates that this missense variant is expected to disrupt CEP78 protein function. In summary, the available evidence is currently insufficient to determine the role of this variant in disease. Therefore, it has been classified as a Variant of Uncertain Significance.

NM_001330691.3(CEP78):c.650G>A (p.Arg217His)

Gene: CEP78 (centrosomal protein 78; plus strand). Cytogenetic location: 9q21.2.
Variant type: single nucleotide variant.
Coding change: c.650G>A on transcript NM_001330691.3 (MANE Select); coding-DNA position 650, G replaced by A.
Protein change: p.Arg217His; replaces arginine 217 with histidine.
Molecular consequence: missense variant.
Genome position (GRCh38, 1-based): chr9:78,243,508, G>A. VCF-style: chr9-78243508-G-A. GRCh37 (hg19) VCF-style: chr9-80858424-G-A.
Other names: c.650G>A, p.Arg217His (NM_001098802.3, NM_001330693.3, NM_001330694.2 and 4 more transcripts); short protein forms R217H.
Identifiers: ClinVar variation 943566 (VCV000943566.29), dbSNP rs781363287, ClinGen allele CA5094991.